The following is an entry in ClinVar:

NM_032409.3(PINK1):c.364G>C (p.Val122Leu)

Gene: PINK1 (PTEN induced kinase 1; plus strand). Cytogenetic location: 1p36.12.
Variant type: single nucleotide variant.
Coding change: c.364G>C on transcript NM_032409.3 (MANE Select); coding-DNA position 364, G replaced by C.
Protein change: p.Val122Leu; replaces valine 122 with leucine.
Molecular consequence: missense variant.
Genome position (GRCh38, 1-based): chr1:20,633,912, G>C. VCF-style: chr1-20633912-G-C. GRCh37 (hg19) VCF-style: chr1-20960405-G-C.
Other names: short protein forms V122L.
Identifiers: ClinVar variation 2048558 (VCV002048558.4), dbSNP rs1433292317, ClinGen allele CA338854433.

ClinVar aggregate classification (germline): Uncertain significance (1 of 4 stars; one submission).

Conditions:
Autosomal recessive early-onset Parkinson disease 6 (PARK6). Also called: PARKINSON DISEASE 6, EARLY-ONSET; PINK1 Type of Young-Onset Parkinson Disease; PARKINSON DISEASE 6, MODIFIER OF; PINK1-Related Parkinson Disease. Identifiers: Orphanet 2828, MedGen C1853833, MONDO:0011613, OMIM 605909.

Allele frequency attached by ClinVar (database versions not stated): gnomAD exomes below 0.00001.
gnomAD v4.1: 1 of 1,583,834 alleles (0.000063%); highest among the groups gnomAD compares: Non-Finnish European, 0.000086%; no homozygotes.

Submission:

Labcorp Genetics (formerly Invitae), Labcorp
Classification: Uncertain significance for Autosomal recessive early-onset Parkinson disease 6. Last evaluated: 2021-12-19. Review status: criteria provided, single submitter. Criteria: Invitae Variant Classification Sherloc (09022015). Collection method: clinical testing. Allele origin: germline.
Comment: This sequence change replaces valine, which is neutral and non-polar, with leucine, which is neutral and non-polar, at codon 122 of the PINK1 protein (p.Val122Leu). This variant is not present in population databases (gnomAD no frequency). This variant has not been reported in the literature in individuals affected with PINK1-related conditions. Algorithms developed to predict the effect of missense changes on protein structure and function (SIFT, PolyPhen-2, Align-GVGD) all suggest that this variant is likely to be tolerated. In summary, the available evidence is currently insufficient to determine the role of this variant in disease. Therefore, it has been classified as a Variant of Uncertain Significance.